The following is an entry in ClinVar:

ClinVar aggregate classification (germline): Uncertain significance. Review status: criteria provided, multiple submitters, no conflicts (2 of 4 stars). 2 submissions from 2 submitters: Uncertain significance (2). Last evaluated 2025-06-17.

Conditions:
Predisposition to thrombocytopenia.
DHX34-related Neurodevelopmental Disorder.

Allele frequency attached by ClinVar (database versions not stated): TOPMed 0.00003; gnomAD 0.00001; gnomAD exomes 0.00001; ExAC 0.00002.
gnomAD v4.1: 20 of 1,611,732 alleles (0.0012%); highest among the groups gnomAD compares: Admixed American, 0.0067%; no homozygotes.

Submissions (2):

St. Jude Molecular Pathology, St. Jude Children's Research Hospital
Classification: Uncertain significance for Predisposition to thrombocytopenia. Last evaluated: 2025-06-17. Review status: criteria provided, single submitter. Criteria: St. Jude Assertion Criteria 2020. Collection method: clinical testing. Allele origin: germline.
Comment: The DDX41 c.2918C>T p.(Thr973Met) missense change has a maximum subpopulation frequency of 0.0066% in gnomAD v2.1.1. The in silico tool REVEL predicts a benign effect on protein function, but this prediction has not been confirmed by functional studies. To our knowledge, this variant has been reported in individuals with DHX34-related conditions. In summary, the evidence currently available is insufficient to determine the clinical significance of this variant. It has therefore been classified as of uncertain significance.

New York Genome Center
Classification: Uncertain significance for DHX34-related Neurodevelopmental Disorder. Last evaluated: 2020-01-21. Review status: criteria provided, single submitter. Criteria: NYGC Assertion Criteria 2020. Collection method: clinical testing. Allele origin: germline. Observed: 1 heterozygote. Study: CSER-NYCKidSeq.

NM_014681.6(DHX34):c.2918C>T (p.Thr973Met)

Gene: DHX34 (DExH-box helicase 34; plus strand). Cytogenetic location: 19q13.32.
Variant type: single nucleotide variant.
Coding change: c.2918C>T on transcript NM_014681.6 (MANE Select); coding-DNA position 2918, C replaced by T.
Protein change: p.Thr973Met; replaces threonine 973 with methionine.
Molecular consequence: missense variant.
Genome position (GRCh38, 1-based): chr19:47,379,921, C>T. VCF-style: chr19-47379921-C-T. GRCh37 (hg19) VCF-style: chr19-47883178-C-T.
Other names: short protein forms T973M.
Identifiers: ClinVar variation 978116 (VCV000978116.4), dbSNP rs769405184, ClinGen allele CA9538749.